The following is an entry in ClinVar:

ClinVar aggregate classification (germline): Uncertain significance (1 of 4 stars; one submission).

Conditions:
Hearing loss, autosomal dominant 80. Also called: DEAFNESS, AUTOSOMAL DOMINANT 80. Identifiers: MedGen C5543289, MONDO:0030998, OMIM 619274.

Allele frequency attached by ClinVar (database versions not stated): gnomAD exomes below 0.00001; ExAC 0.00005.
gnomAD v4.1: 1 of 1,551,676 alleles (0.000064%); highest among the groups gnomAD compares: South Asian, 0.0012%; no homozygotes.

Submission:

Neuberg Centre For Genomic Medicine, NCGM
Classification: Uncertain significance for Hearing loss, autosomal dominant 80. Last evaluated: 2023-03-01. Review status: criteria provided, single submitter. Criteria: ACMG Guidelines, 2015. Collection method: clinical testing. Allele origin: germline. Inheritance: Autosomal dominant inheritance. Affected: yes.
Comment: The missense variant c.5362C>A(p.Leu1788Ile) in GREB1L gene has not been reported previously as a pathogenic variant nor as a benign variant, to our knowledge. The p.Leu1788Ile variant is novel (not in any individuals) in 1000 Genomes and has allele frequency of 0.0006% in gnomAD exomes database. This variant has not been reported to the ClinVar database. The amino acid change p.Leu1788Ile in GREB1L is predicted as conserved by GERP++ and PhyloP across 100 vertebrates. The amino acid Leu at position 1788 is changed to a Ile changing protein sequence and it might alter its composition and physico-chemical properties. For these reasons, this variant has been classified as Uncertain Significance (VUS).

NM_001142966.3(GREB1L):c.5362C>A (p.Leu1788Ile)

Gene: GREB1L (GREB1 like retinoic acid receptor coactivator; plus strand). Cytogenetic location: 18q11.2.
Variant type: single nucleotide variant.
Coding change: c.5362C>A on transcript NM_001142966.3 (MANE Select); coding-DNA position 5362, C replaced by A.
Protein change: p.Leu1788Ile; replaces leucine 1788 with isoleucine.
Molecular consequence: missense variant.
Genome position (GRCh38, 1-based): chr18:21,518,124, C>A. VCF-style: chr18-21518124-C-A. GRCh37 (hg19) VCF-style: chr18-19098085-C-A.
Other names: c.5491C>A, p.Leu1831Ile (NM_001410867.1); c.5035C>A, p.Leu1679Ile (NM_001410868.1); short protein forms L1679I, L1788I, L1831I.
Identifiers: ClinVar variation 2671694 (VCV002671694.1), dbSNP rs751114446, ClinGen allele CA8906741.